The following is an entry in ClinVar:

NM_000260.4(MYO7A):c.3013G>A (p.Ala1005Thr)

Gene: MYO7A (myosin VIIA; plus strand). Cytogenetic location: 11q13.5.
Variant type: single nucleotide variant.
Coding change: c.3013G>A on transcript NM_000260.4 (MANE Select); coding-DNA position 3013, G replaced by A.
Protein change: p.Ala1005Thr; replaces alanine 1005 with threonine.
Molecular consequence: missense variant.
Genome position (GRCh38, 1-based): chr11:77,182,059, G>A. VCF-style: chr11-77182059-G-A. GRCh37 (hg19) VCF-style: chr11-76893105-G-A.
Other names: c.3013G>A, p.Ala1005Thr (NM_001127180.2); c.2980G>A, p.Ala994Thr (NM_001369365.1); short protein forms A1005T, A994T.
Identifiers: ClinVar variation 1197305 (VCV001197305.7), dbSNP rs782471298, ClinGen allele CA381944084.

ClinVar aggregate classification (germline): Uncertain significance. Review status: criteria provided, multiple submitters, no conflicts (2 of 4 stars). 5 submissions from 5 submitters: Uncertain significance (4). 1 of the submissions does not count toward it. Last evaluated 2025-06-25.

Conditions:
Inborn genetic diseases. Identifiers: MedGen C0950123, MeSH D030342.
Usher syndrome type 1B (USH1B). Also called: Usher syndrome type IB. Identifiers: MedGen C1848638, MONDO:0700087.

Allele frequency attached by ClinVar (database versions not stated): gnomAD 0.00003; 1000 Genomes Project 30x 0.00031.
gnomAD v4.1: 28 of 1,613,336 alleles (0.0017%); highest among the groups gnomAD compares: South Asian, 0.0088%; no homozygotes.

Submissions (5):

Ambry Genetics
Classification: Uncertain significance for Inborn genetic diseases. Last evaluated: 2025-06-25. Review status: criteria provided, single submitter. Criteria: Ambry Variant Classification Scheme 2023. Collection method: clinical testing. Allele origin: germline.

Labcorp Genetics (formerly Invitae), Labcorp
Classification: Uncertain significance. Last evaluated: 2024-11-28. Review status: criteria provided, single submitter. Criteria: Invitae Variant Classification Sherloc (09022015). Collection method: clinical testing. Allele origin: germline.
Comment: This sequence change replaces alanine, which is neutral and non-polar, with threonine, which is neutral and polar, at codon 1005 of the MYO7A protein (p.Ala1005Thr). This variant is present in population databases (rs782471298, gnomAD 0.02%). This variant has not been reported in the literature in individuals affected with MYO7A-related conditions. ClinVar contains an entry for this variant (Variation ID: 1197305). Invitae Evidence Modeling of protein sequence and biophysical properties (such as structural, functional, and spatial information, amino acid conservation, physicochemical variation, residue mobility, and thermodynamic stability) has been performed for this missense variant. However, the output from this modeling did not meet the statistical confidence thresholds required to predict the impact of this variant on MYO7A protein function. In summary, the available evidence is currently insufficient to determine the role of this variant in disease. Therefore, it has been classified as a Variant of Uncertain Significance.

Blueprint Genetics
Classification: Uncertain significance. Last evaluated: 2021-10-22. Review status: criteria provided, single submitter. Criteria: ACMG Guidelines, 2015. Collection method: clinical testing. Allele origin: germline.

GeneDx
Classification: Uncertain significance. Last evaluated: 2020-03-31. Review status: criteria provided, single submitter. Criteria: GeneDx Variant Classification Process June 2021. Collection method: clinical testing. Allele origin: germline. Affected: yes.
Comment: In silico analysis supports that this missense variant has a deleterious effect on protein structure/function; Has not been previously published as pathogenic or benign to our knowledge

Natera, Inc.
Classification: Uncertain significance for Usher syndrome type 1B. Last evaluated: 2020-04-06. Review status: no assertion criteria provided. Collection method: clinical testing. Allele origin: germline. Not counted in ClinVar's aggregate classification.